The following is an entry in ClinVar:

NM_000352.6(ABCC8):c.3919C>T (p.Gln1307Ter)

Gene: ABCC8 (ATP binding cassette subfamily C member 8; minus strand). Cytogenetic location: 11p15.1.
Variant type: single nucleotide variant.
Coding change: c.3919C>T on transcript NM_000352.6 (MANE Select); coding-DNA position 3919, C replaced by T.
Protein change: p.Gln1307Ter; replaces glutamine 1307 with a stop codon.
Molecular consequence: nonsense. On other transcripts: non-coding transcript variant (1).
Genome position (GRCh38, 1-based): chr11:17,397,262, G>A on the plus strand (C>T on the coding strand, the complement: ABCC8 is on the minus strand). VCF-style: chr11-17397262-G-A. GRCh37 (hg19) VCF-style: chr11-17418809-G-A.
Other names: c.3922C>T, p.Gln1308Ter (NM_001287174.3); c.3985C>T, p.Gln1329Ter (NM_001351295.2); c.3919C>T, p.Gln1307Ter (NM_001351296.2); c.3916C>T, p.Gln1306Ter (NM_001351297.2); short protein forms Q1306*, Q1307*, Q1308*, Q1329*.
Identifiers: ClinVar variation 1725287 (VCV001725287.2), dbSNP rs2496465239, ClinGen allele CA379792181.
Genomic context (GRCh38, chr11:17,397,262, plus strand): 5'-CCTCGTAGCTCTCTGCCTCGGTTTTCAGGAGCCCATGGATGCGCTTCACAGCCCCCAGCT[G>A]GAGCTCCATGTCTGCCAGGTTCCTCACCATCCAGTTGAGGTAGTTGGAGACCTGTGGGGA-3'

ClinVar aggregate classification (germline): Likely pathogenic (1 of 4 stars; one submission).

Conditions:
Hyperinsulinemic hypoglycemia, familial, 1 (HHF1). Also called: HYPERINSULINISM, FAMILIAL, WITH PANCREATIC NESIDIOBLASTOSIS; HYPOGLYCEMIA, HYPERINSULINEMIC, OF INFANCY; NESIDIOBLASTOSIS OF PANCREAS; Persistent hyperinsulinemic hypoglycemia of infancy; Persistent Hyperinsulinemia Hypoglycemia of Infancy. Identifiers: Orphanet 276575, Orphanet 276598, MedGen C2931832, MONDO:0009734, OMIM 256450.

Submission:

Myriad Genetics, Inc.
Classification: Likely pathogenic for Hyperinsulinemic hypoglycemia, familial, 1. Last evaluated: 2022-03-15. Review status: criteria provided, single submitter. Criteria: Myriad Women's Health Autosomal Recessive and X-Linked Classification Criteria (2021). Collection method: clinical testing. Allele origin: unknown.
Comment: NM_000352.3(ABCC8):c.3919C>T(Q1307*) is expected to be pathogenic in the context of familial hyperinsulinism, ABCC8-related. This variant is predicted to lead to an abnormal or absent protein product due to the creation of a premature termination codon in ABCC8, a gene where loss-of-function variants are known to be pathogenic. Please note: this variant was assessed in the context of healthy population screening.